The following is an entry in ClinVar:

ClinVar aggregate classification (germline): Pathogenic (1 of 4 stars; one submission).

Conditions:
Familial thoracic aortic aneurysm and aortic dissection (TAAD). Also called: Thoracic aortic aneurysms and dissections. Identifiers: Orphanet 91387, MedGen C4707243, MONDO:0019625.
Marfan syndrome (MFS). Also called: FBN1-Related Marfan Syndrome; Marfan's syndrome; MARFAN SYNDROME, TYPE I; Marfan syndrome type 1; Marfan syndrome, classic. Identifiers: Orphanet 284963, Orphanet 558, MedGen C0024796, MONDO:0007947, OMIM 154700.

Submission:

Labcorp Genetics (formerly Invitae), Labcorp
Classification: Pathogenic for Marfan syndrome; Familial thoracic aortic aneurysm and aortic dissection. Last evaluated: 2019-02-15. Review status: criteria provided, single submitter. Criteria: Invitae Variant Classification Sherloc (09022015). Collection method: clinical testing. Allele origin: germline.
Comment: For these reasons, this variant has been classified as Pathogenic. Loss-of-function variants in FBN1 are known to be pathogenic (PMID: 17657824, 19293843). This variant has not been reported in the literature in individuals with FBN1-related conditions. This variant is not present in population databases (ExAC no frequency). This sequence change creates a premature translational stop signal (p.Cys996Leufs*8) in the FBN1 gene. It is expected to result in an absent or disrupted protein product.

Literature cited by the submitters: PubMed 17657824; PubMed 19293843.

NM_000138.5(FBN1):c.2986dup (p.Cys996fs)

Gene: FBN1 (fibrillin 1; minus strand). Cytogenetic location: 15q21.1.
Variant type: Duplication.
Coding change: c.2986dup on transcript NM_000138.5 (MANE Select); coding-DNA position 2986, one base duplicated (T; older notation c.2986dupT).
Protein change: p.Cys996fs; shifts the reading frame from cysteine 996.
Molecular consequence: frameshift variant.
Genome position (GRCh38, 1-based): chr15:48,489,947, A duplicated on the plus strand (T on the coding strand, the reverse complement: FBN1 is on the minus strand). VCF-style (leftmost placement, unchanged base first): chr15-48489946-C-CA. GRCh37 (hg19) VCF-style: chr15-48782143-C-CA.
Other names: short protein forms C996fs.
Identifiers: ClinVar variation 860255 (VCV000860255.7), dbSNP rs2043543231, ClinGen allele CA916082402.